The following is an entry in ClinVar:

ClinVar aggregate classification (germline): Benign/Likely benign. Review status: criteria provided, multiple submitters, no conflicts (2 of 4 stars). 3 submissions from 3 submitters: Benign (1); Likely benign (2). Last evaluated 2026-03-23.

Conditions:
PLEC-related disorder. Also called: PLEC-related disorders; PLEC-related condition.
Epidermolysis bullosa simplex, Ogna type (EBS5A). Also called: Pidermolysis bullosa simplex 5A, Ogna type; EPIDERMOLYSIS BULLOSA SIMPLEX 5A, OGNA TYPE. Identifiers: Orphanet 79401, MedGen C0432317, MONDO:0007555, OMIM 131950.
Epidermolysis bullosa simplex 5B, with muscular dystrophy (EBS5B). Also called: Epidermolysis bullosa simplex with muscular dystrophy; EPIDERMOLYSIS BULLOSA SIMPLEX AND LIMB-GIRDLE MUSCULAR DYSTROPHY. Identifiers: Orphanet 257, MedGen C2931072, MONDO:0009181, OMIM 226670.
Epidermolysis bullosa simplex with nail dystrophy (EBS5D). Identifiers: MedGen C4225309, MONDO:0014661, OMIM 616487.
Autosomal recessive limb-girdle muscular dystrophy type 2Q (LGMDR17). Also called: MUSCULAR DYSTROPHY, LIMB-GIRDLE, AUTOSOMAL RECESSIVE 17. Identifiers: Orphanet 254361, MedGen C3150989, MONDO:0013390, OMIM 613723.
Epidermolysis bullosa simplex 5C, with pyloric atresia (EBS5C). Also called: PLEC-Related Epidermolysis Bullosa with Pyloric Atresia; Epidermolysis bullosa simplex with pyloric atresia; PLEC1-Related Epidermolysis Bullosa with Pyloric Atresia. Identifiers: Orphanet 158684, MedGen C2677349, MONDO:0012807, OMIM 612138.

Allele frequency attached by ClinVar (database versions not stated): gnomAD 0.00015 and 0.00021; TOPMed 0.00019; gnomAD exomes 0.00021 and 0.00039; ExAC 0.00045; 1000 Genomes Project 30x 0.00094; 1000 Genomes Project 0.00120; ESP Exome Variant Server 0.00008.

Submissions (3):

PreventionGenetics, part of Exact Sciences
Classification: Likely benign for PLEC-related condition. Last evaluated: 2026-03-23. Review status: criteria provided, single submitter. Criteria: ACMG Guidelines, 2015. Collection method: clinical testing. Allele origin: germline.
Comment: This variant is classified as likely benign based on ACMG/AMP sequence variant interpretation guidelines (Richards et al. 2015 PMID: 25741868, with internal and published modifications).

Labcorp Genetics (formerly Invitae), Labcorp
Classification: Benign for Autosomal recessive limb-girdle muscular dystrophy type 2Q; Epidermolysis bullosa simplex, Ogna type; Epidermolysis bullosa simplex with nail dystrophy; Epidermolysis bullosa simplex 5C, with pyloric atresia; Epidermolysis bullosa simplex 5B, with muscular dystrophy. Last evaluated: 2025-12-15. Review status: criteria provided, single submitter. Criteria: Invitae Variant Classification Sherloc (09022015). Collection method: clinical testing. Allele origin: germline.

Blueprint Genetics
Classification: Likely benign. Last evaluated: 2024-10-11. Review status: criteria provided, single submitter. Criteria: ACMG Guidelines, 2015. Collection method: clinical testing. Allele origin: germline.

NM_201384.3(PLEC):c.10551G>A (p.Thr3517=)

Gene: PLEC (plectin; minus strand). Cytogenetic location: 8q24.3.
Variant type: single nucleotide variant.
Coding change: c.10551G>A on transcript NM_201384.3 (MANE Select); coding-DNA position 10551, G replaced by A.
Protein change: p.Thr3517=; no amino-acid change (threonine 3517 retained).
Molecular consequence: synonymous variant.
Genome position (GRCh38, 1-based): chr8:143,919,270, C>T on the plus strand (G>A on the coding strand, the complement: PLEC is on the minus strand). VCF-style: chr8-143919270-C-T. GRCh37 (hg19) VCF-style: chr8-144993438-C-T.
Other names: c.10632G>A, p.Thr3544= (NM_000445.5); c.10509G>A, p.Thr3503= (NM_201378.4); c.10485G>A, p.Thr3495= (NM_201379.3); c.10962G>A, p.Thr3654= (NM_201380.4); c.10455G>A, p.Thr3485= (NM_201381.3); c.10551G>A, p.Thr3517= (NM_201382.4); c.10563G>A, p.Thr3521= (NM_201383.3).
Identifiers: ClinVar variation 539004 (VCV000539004.14), dbSNP rs116901140, ClinGen allele CA4924613.